The following is an entry in ClinVar:

ClinVar aggregate classification (germline): Uncertain significance. Review status: criteria provided, multiple submitters, no conflicts (2 of 4 stars). 2 submissions from 2 submitters: Uncertain significance (2). Last evaluated 2025-11-03.

Conditions:
Inborn genetic diseases. Identifiers: MedGen C0950123, MeSH D030342.

Allele frequency attached by ClinVar (database versions not stated): gnomAD 0.00001; gnomAD exomes 0.00002; TOPMed 0.00002; ExAC 0.00004.
gnomAD v4.1: 29 of 1,613,186 alleles (0.0018%); highest among the groups gnomAD compares: South Asian, 0.0055%; no homozygotes.

Submissions (2):

Ambry Genetics
Classification: Uncertain significance for Inborn genetic diseases. Last evaluated: 2025-11-03. Review status: criteria provided, single submitter. Criteria: Ambry Variant Classification Scheme 2023. Collection method: clinical testing. Allele origin: germline.

Labcorp Genetics (formerly Invitae), Labcorp
Classification: Uncertain significance. Last evaluated: 2025-08-18. Review status: criteria provided, single submitter. Criteria: Invitae Variant Classification Sherloc (09022015). Collection method: clinical testing. Allele origin: germline.
Comment: This sequence change replaces histidine, which is basic and polar, with arginine, which is basic and polar, at codon 1162 of the HSPG2 protein (p.His1162Arg). This variant is present in population databases (rs776610477, gnomAD 0.006%). This variant has not been reported in the literature in individuals affected with HSPG2-related conditions. ClinVar contains an entry for this variant (Variation ID: 2187487). An algorithm developed to predict the effect of missense changes on protein structure and function (PolyPhen-2) suggests that this variant is likely to be disruptive. In summary, the available evidence is currently insufficient to determine the role of this variant in disease. Therefore, it has been classified as a Variant of Uncertain Significance.

NM_005529.7(HSPG2):c.3485A>G (p.His1162Arg)

Gene: HSPG2 (heparan sulfate proteoglycan 2; minus strand). Cytogenetic location: 1p36.12.
Variant type: single nucleotide variant.
Coding change: c.3485A>G on transcript NM_005529.7 (MANE Select); coding-DNA position 3485, A replaced by G.
Protein change: p.His1162Arg; replaces histidine 1162 with arginine.
Molecular consequence: missense variant.
Genome position (GRCh38, 1-based): chr1:21,874,659, T>C on the plus strand (A>G on the coding strand, the complement: HSPG2 is on the minus strand). VCF-style: chr1-21874659-T-C. GRCh37 (hg19) VCF-style: chr1-22201152-T-C.
Other names: c.3485A>G (NM_005529.5); c.3488A>G, p.His1163Arg (NM_001291860.2); short protein forms H1163R, H1162R.
Identifiers: ClinVar variation 2187487 (VCV002187487.5), dbSNP rs776610477, ClinGen allele CA672632.